The following is an entry in ClinVar:

NM_000059.4(BRCA2):c.7881C>A (p.Ile2627=)

Gene: BRCA2 (BRCA2 DNA repair associated; plus strand). Cytogenetic location: 13q13.1.
Variant type: single nucleotide variant.
Coding change: c.7881C>A on transcript NM_000059.4 (MANE Select); coding-DNA position 7881, C replaced by A.
Protein change: p.Ile2627=; no amino-acid change (isoleucine 2627 retained).
Molecular consequence: synonymous variant.
Genome position (GRCh38, 1-based): chr13:32,362,598, C>A. VCF-style: chr13-32362598-C-A. GRCh37 (hg19) VCF-style: chr13-32936735-C-A.
Identifiers: ClinVar variation 483087 (VCV000483087.19), dbSNP rs1555286843, ClinGen allele CA483260915.
Genomic context (GRCh38, chr13:32,362,598, plus strand): 5'-TCCAGGTGTGGATCCAAAGCTTATTTCTAGAATTTGGGTTTATAATCACTATAGATGGAT[C>A]ATATGGAAACTGGCAGCTATGGAATGTGCCTTTCCTAAGGAATTTGCTAATAGATGCCTA-3'
Protein context (NP_000050.3, residues 2617-2637): RIWVYNHYRW[Ile2627=]IWKLAAMECA

ClinVar aggregate classification (germline): Benign/Likely benign. Review status: criteria provided, multiple submitters, no conflicts (2 of 4 stars). 4 submissions from 4 submitters: Benign (1); Likely benign (3). Last evaluated 2025-12-28.

Conditions:
Hereditary cancer-predisposing syndrome. Also called: Hereditary neoplastic syndrome; Neoplastic Syndromes, Hereditary; Tumor predisposition; Hereditary Cancer Syndrome. Identifiers: Orphanet 140162, MedGen C0027672, MeSH D009386, MONDO:0015356.
Hereditary breast ovarian cancer syndrome. Also called: Hereditary breast and ovarian cancer syndrome (HBOC); Breast and ovarian cancer; Hereditary breast and ovarian cancer syndrome; Hereditary breast and ovarian cancer; Hereditary breast and/or ovarian cancer syndrome; BRCA1- and BRCA2-Associated Hereditary Breast and Ovarian Cancer. Identifiers: Orphanet 145, MedGen C0677776, MeSH D061325, MONDO:0003582. Disease mechanism: loss of function.
Breast-ovarian cancer, familial, susceptibility to, 2 (BROVCA2). Also called: BRCA2 Hereditary Breast and Ovarian Cancer. Identifiers: Orphanet 145, MedGen C2675520, MONDO:0012933, OMIM 612555. Disease mechanism: loss of function.

Allele frequency attached by ClinVar (database versions not stated): gnomAD exomes below 0.00001.
gnomAD v4.1: 1 of 1,614,062 alleles (0.000062%); highest among the groups gnomAD compares: South Asian, 0.0011%; no homozygotes.

Submissions (4):

Labcorp Genetics (formerly Invitae), Labcorp
Classification: Benign for Hereditary breast ovarian cancer syndrome. Last evaluated: 2025-12-28. Review status: criteria provided, single submitter. Criteria: Invitae Variant Classification Sherloc (09022015). Collection method: clinical testing. Allele origin: germline.

All of Us Research Program, National Institutes of Health
Classification: Likely benign for Breast-ovarian cancer, familial, susceptibility to, 2. Last evaluated: 2023-04-03. Review status: criteria provided, single submitter. Criteria: ACMG Guidelines, 2015. Collection method: clinical testing. Allele origin: germline. Inheritance: Autosomal dominant inheritance. Observed: 1 variant allele, 1 heterozygote.
Comment: This study involves interpretation of variants in research participants for the purpose of population health screening. Participant phenotype was not available at the time of variant classification. Additional details can be found in publication PMID: 35346344, PMCID: PMC8962531

Color Diagnostics, LLC DBA Color Health
Classification: Likely benign for Hereditary cancer-predisposing syndrome. Last evaluated: 2018-03-15. Review status: criteria provided, single submitter. Criteria: ACMG Guidelines, 2015. Collection method: clinical testing. Allele origin: germline.

Ambry Genetics
Classification: Likely benign for Hereditary cancer-predisposing syndrome. Last evaluated: 2017-03-09. Review status: criteria provided, single submitter. Criteria: Ambry Variant Classification Scheme 2023. Collection method: clinical testing. Allele origin: germline.